The following is an entry in ClinVar:

NM_002060.3(GJA4):c.394C>T (p.Arg132Cys)

Gene: GJA4 (gap junction protein alpha 4; plus strand). Cytogenetic location: 1p34.3.
Variant type: single nucleotide variant.
Coding change: c.394C>T on transcript NM_002060.3 (MANE Select); coding-DNA position 394, C replaced by T.
Protein change: p.Arg132Cys; replaces arginine 132 with cysteine.
Molecular consequence: missense variant.
Genome position (GRCh38, 1-based): chr1:34,794,607, C>T. VCF-style: chr1-34794607-C-T. GRCh37 (hg19) VCF-style: chr1-35260208-C-T.
Other names: short protein forms R132C.
Identifiers: ClinVar variation 789257 (VCV000789257.28), dbSNP rs61777220, ClinGen allele CA755047.

ClinVar aggregate classification (germline): Benign. Review status: criteria provided, multiple submitters, no conflicts (2 of 4 stars). 3 submissions from 3 submitters: Benign (3). Last evaluated 2023-02-01.

Allele frequency attached by ClinVar (database versions not stated): 1000 Genomes Project 30x 0.00406; 1000 Genomes Project 0.00419; ESP Exome Variant Server 0.00684; TOPMed 0.00699; gnomAD 0.00759 and 0.00787; gnomAD exomes 0.00929; ExAC 0.00950.

Submissions (3):

CeGaT Center for Human Genetics Tuebingen
Classification: Benign. Last evaluated: 2023-02-01. Review status: criteria provided, single submitter. Criteria: CeGaT Center For Human Genetics Tuebingen Variant Classification Criteria Version 2. Collection method: clinical testing. Allele origin: germline. Affected: yes. Observed: 1 variant allele.
Comment: GJA4: BS1, BS2

Labcorp Genetics (formerly Invitae), Labcorp
Classification: Benign. Last evaluated: 2018-07-17. Review status: criteria provided, single submitter. Criteria: Invitae Variant Classification Sherloc (09022015). Collection method: clinical testing. Allele origin: germline.

Breakthrough Genomics
Classification: Benign. Review status: criteria provided, single submitter. Criteria: ACMG Guidelines, 2015. Collection method: not provided. Allele origin: germline. Inheritance: Unknown mechanism. Affected: yes.